The following is an entry in ClinVar:

NM_000463.3(UGT1A1):c.322C>T (p.Arg108Cys)

Genes: UGT1A5 (UDP glucuronosyltransferase family 1 member A5; plus strand), UGT1A6 (UDP glucuronosyltransferase family 1 member A6; plus strand), UGT1A7 (UDP glucuronosyltransferase family 1 member A7; plus strand), UGT1A8 (UDP glucuronosyltransferase family 1 member A8; plus strand), UGT1A9 (UDP glucuronosyltransferase family 1 member A9; plus strand) and 5 more. Cytogenetic location: 2q37.1.
Variant type: single nucleotide variant.
Coding change: c.322C>T on transcript NM_000463.3 (MANE Select); coding-DNA position 322, C replaced by T.
Protein change: p.Arg108Cys; replaces arginine 108 with cysteine.
Molecular consequence: missense variant. On other transcripts: intron variant (9).
Genome position (GRCh38, 1-based): chr2:233,760,609, C>T. VCF-style: chr2-233760609-C-T. GRCh37 (hg19) VCF-style: chr2-234669255-C-T.
Other names: c.856-6425C>T (NM_019076.5, NM_019075.4, NM_021027.3 and 1 more transcripts); c.61-6425C>T (NM_205862.3); c.862-6425C>T (NM_001072.4); c.868-6425C>T (NM_019078.2, NM_007120.3, NM_019093.4); short protein forms R108C.
Identifiers: ClinVar variation 160236 (VCV000160236.12), dbSNP rs587784538, ClinGen allele CA173874.

ClinVar aggregate classification (germline): Uncertain significance. Review status: criteria provided, multiple submitters, no conflicts (2 of 4 stars). 6 submissions from 6 submitters: Uncertain significance (6). Last evaluated 2025-08-23.

Conditions:
UGT1A1-related disorder. Also called: UGT1A1-related condition; UGT1A1-related disorders.
Inborn genetic diseases. Identifiers: MedGen C0950123, MeSH D030342.
Gilbert syndrome. Also called: HYPERBILIRUBINEMIA, GILBERT TYPE; Gilbert Disease; HYPERBILIRUBINEMIA I; HYPERBILIRUBINEMIA, ARIAS TYPE; Gilbert's syndrome. Identifiers: MedGen C0017551, MONDO:0007745, OMIM 143500.
Crigler-Najjar syndrome, type II. Also called: HYPERBILIRUBINEMIA, CRIGLER-NAJJAR TYPE II; Crigler Najjar syndrome, type 2; Mutation in the UDP-glucuronosyl-transferase gene. Identifiers: Orphanet 205, Orphanet 79235, MedGen C2931132, MONDO:0011725, OMIM 606785.
Hyperbilirubinemia. Identifiers: MedGen C0311468, MONDO:0024288, HP:0002904.

Allele frequency attached by ClinVar (database versions not stated): gnomAD 0.00001; TOPMed 0.00001; gnomAD exomes 0.00003 and 0.00005; ExAC 0.00006.
gnomAD v4.1: 50 of 1,614,060 alleles (0.0031%); highest among the groups gnomAD compares: South Asian, 0.037%; 1 homozygote.

Submissions (6):

PreventionGenetics, part of Exact Sciences
Classification: Uncertain significance for UGT1A1-related condition. Last evaluated: 2025-08-23. Review status: criteria provided, single submitter. Criteria: ACMG Guidelines, 2015. Collection method: clinical testing. Allele origin: germline.
Comment: The UGT1A1 c.322C>T variant is predicted to result in the amino acid substitution p.Arg108Cys. This variant has been reported in the homozygous state in combination with homozygosity for the common the A(TA)7TAA risk allele in an individual with Crigler-Najjar syndrome type 2 (Zubaida et al. 2019. PubMed ID: 31145902) and has been noted in the heterozygous state in combination with the A(TA)7TAA risk allele in individuals with mild to moderate unconjugated hyperbilirubinemia (Gupta et al. 2015. PubMed ID: 26716871). At PreventionGenetics, this variant has been reported in the homozygous and heterozygous state in combination with the A(TA)7TAA risk allele in two unrelated individuals pursuing testing for cholestasis. This variant is reported in 0.0018% of alleles in individuals of European (non-Finnish) descent in gnomAD. However, in gnomAD v4 (available only on GRCh38), this variant is reported in 0.033% of alleles in individuals of South Asian descent, including one homozygote. This variant is consistently classified as uncertain in ClinVar (Variation ID: 160236). Although we suspect this variant is pathogenic, at this time, the clinical significance of this variant is uncertain due to the absence of conclusive functional and genetic evidence.

Labcorp Genetics (formerly Invitae), Labcorp
Classification: Uncertain significance. Last evaluated: 2024-01-18. Review status: criteria provided, single submitter. Criteria: Invitae Variant Classification Sherloc (09022015). Collection method: clinical testing. Allele origin: germline.
Comment: This sequence change replaces arginine, which is basic and polar, with cysteine, which is neutral and slightly polar, at codon 108 of the UGT1A1 protein (p.Arg108Cys). This variant is present in population databases (rs587784538, gnomAD 0.03%). This missense change has been observed in individual(s) with hyperbilirubinemia (PMID: 26716871, 31145902). ClinVar contains an entry for this variant (Variation ID: 160236). An algorithm developed to predict the effect of missense changes on protein structure and function (PolyPhen-2) suggests that this variant is likely to be disruptive. In summary, the available evidence is currently insufficient to determine the role of this variant in disease. Therefore, it has been classified as a Variant of Uncertain Significance.

Ambry Genetics
Classification: Uncertain significance for Inborn genetic diseases. Last evaluated: 2022-09-27. Review status: criteria provided, single submitter. Criteria: Ambry Variant Classification Scheme 2023. Collection method: clinical testing. Allele origin: germline.

MGZ Medical Genetics Center
Classification: Uncertain significance for Gilbert syndrome. Last evaluated: 2022-04-07. Review status: criteria provided, single submitter. Criteria: ACMG Guidelines, 2015. Collection method: clinical testing. Allele origin: germline. Affected: yes. Observed: 1 variant allele.
Comment: ACMG criteria applied: PS4_SUP, PM2_SUP, BP4

Genetic Services Laboratory, University of Chicago
Classification: Uncertain significance for Hyperbilirubinemia. Last evaluated: 2014-03-24. Review status: criteria provided, single submitter. Criteria: ACMG Guidelines, 2007. Collection method: clinical testing. Allele origin: germline. Inheritance: Autosomal recessive inheritance.

Neuberg Centre For Genomic Medicine, NCGM
Classification: Uncertain significance for Crigler-Najjar syndrome, type II. Review status: criteria provided, single submitter. Criteria: ACMG Guidelines, 2015. Collection method: clinical testing. Allele origin: germline. Inheritance: Autosomal recessive inheritance. Affected: yes.
Comment: The missense variant p.R108C in UGT1A1 (NM_000463.3) has been reported previously incompound heterozygous state with another variant in patients affected with indriect hyperbilirubinemia (Zubaida B et al,2019).The p.R108C variant is observed in 10/30,612 (0.0327%) alleles from individuals of South Asian background in gnomAD Exomes and is novel (not in any individuals) in 1000 Genomes. In silico tools predict a damaging effect and the residue is poorly conserved across species. For these reasons, this variant has been classified as Uncertain Significance.

Literature cited by the submitters: PubMed 26716871 (cited by Labcorp Genetics (formerly Invitae), Labcorp and Ambry Genetics); PubMed 31145902 (cited by Labcorp Genetics (formerly Invitae), Labcorp and Ambry Genetics).